The following is an entry in ClinVar:

ClinVar aggregate classification (germline): other (0 of 4 stars; one submission).

Conditions:
Familial colorectal cancer. Identifiers: MedGen CN280943, MONDO:0023113. Disease mechanism: loss of function.

Submission:

Systems Biology Platform Zhejiang California International NanoSystems Institute
Classification: other for Familial colorectal cancer. Review status: no assertion criteria provided. Collection method: not provided. Allele origin: unknown.
ClinVar note: Converted during submission from cancer to other.

NM_000038.6(APC):c.1744-427T>G

Gene: APC (APC regulator of WNT signaling pathway; plus strand). Cytogenetic location: 5q22.2.
Variant type: single nucleotide variant.
Coding change: c.1744-427T>G on transcript NM_000038.6 (MANE Select); 427 bases into the intron before coding-DNA position 1744, T replaced by G.
Molecular consequence: intron variant.
Genome position (GRCh38, 1-based): chr5:112,834,524, T>G. VCF-style: chr5-112834524-T-G. GRCh37 (hg19) VCF-style: chr5-112170221-T-G.
Other names: c.1744-427T>G (NM_001354895.2, NM_001127510.3); c.1774-427T>G (NM_001354897.2); c.1471-427T>G (NM_001354902.2); c.1690-427T>G (NM_001127511.3); c.1669-427T>G (NM_001354898.2); c.1366-427T>G (NM_001354904.2); c.895-427T>G (NM_001354906.2); c.1798-427T>G (NM_001354896.2); and 5 more.
Identifiers: ClinVar variation 83207 (VCV000083207.2), dbSNP rs79826411, ClinGen allele CA005895.